The following is an entry in ClinVar:

ClinVar aggregate classification (germline): Uncertain significance (1 of 4 stars; one submission).

Conditions:
Autosomal recessive severe congenital neutropenia due to CSF3R deficiency. Also called: Neutropenia, severe congenital, 7, autosomal recessive. Identifiers: Orphanet 420702, MedGen C4310764, MONDO:0014865, OMIM 617014.

Allele frequency attached by ClinVar (database versions not stated): ExAC 0.00001; TOPMed 0.00001; gnomAD 0.00003; 1000 Genomes Project 0.00020; 1000 Genomes Project 30x 0.00031.
gnomAD v4.1: 20 of 1,614,224 alleles (0.0012%); highest among the groups gnomAD compares: South Asian, 0.0077%; 1 homozygote.

Submission:

Labcorp Genetics (formerly Invitae), Labcorp
Classification: Uncertain significance for Autosomal recessive severe congenital neutropenia due to CSF3R deficiency. Last evaluated: 2022-11-11. Review status: criteria provided, single submitter. Criteria: Invitae Variant Classification Sherloc (09022015). Collection method: clinical testing. Allele origin: germline.
Comment: In summary, the available evidence is currently insufficient to determine the role of this variant in disease. Therefore, it has been classified as a Variant of Uncertain Significance. Advanced modeling of protein sequence and biophysical properties (such as structural, functional, and spatial information, amino acid conservation, physicochemical variation, residue mobility, and thermodynamic stability) performed at Invitae indicates that this missense variant is not expected to disrupt CSF3R protein function. This variant has not been reported in the literature in individuals affected with CSF3R-related conditions. This variant is present in population databases (rs563493972, gnomAD 0.01%). This sequence change replaces arginine, which is basic and polar, with tryptophan, which is neutral and slightly polar, at codon 367 of the CSF3R protein (p.Arg367Trp).

NM_000760.4(CSF3R):c.1099C>T (p.Arg367Trp)

Gene: CSF3R (colony stimulating factor 3 receptor; minus strand). Cytogenetic location: 1p34.3.
Variant type: single nucleotide variant.
Coding change: c.1099C>T on transcript NM_000760.4 (MANE Select); coding-DNA position 1099, C replaced by T.
Protein change: p.Arg367Trp; replaces arginine 367 with tryptophan.
Molecular consequence: missense variant.
Genome position (GRCh38, 1-based): chr1:36,471,619, G>A on the plus strand (C>T on the coding strand, the complement: CSF3R is on the minus strand). VCF-style: chr1-36471619-G-A. GRCh37 (hg19) VCF-style: chr1-36937220-G-A.
Other names: c.1099C>T, p.Arg367Trp (NM_156039.3, NM_172313.3); short protein forms R367W.
Identifiers: ClinVar variation 3004909 (VCV003004909.3), dbSNP rs563493972, ClinGen allele CA769275.